The following is an entry in ClinVar:

NM_000235.4(LIPA):c.1032C>T (p.His344=)

Gene: LIPA (lipase A, lysosomal acid type; minus strand). Cytogenetic location: 10q23.31.
Variant type: single nucleotide variant.
Coding change: c.1032C>T on transcript NM_000235.4 (MANE Select); coding-DNA position 1032, C replaced by T.
Protein change: p.His344=; no amino-acid change (histidine 344 retained).
Molecular consequence: synonymous variant.
Genome position (GRCh38, 1-based): chr10:89,214,996, G>A on the plus strand (C>T on the coding strand, the complement: LIPA is on the minus strand). VCF-style: chr10-89214996-G-A. GRCh37 (hg19) VCF-style: chr10-90974753-G-A.
Other names: c.1032C>T, p.His344= (NM_001127605.3); c.684C>T, p.His228= (NM_001288979.2); c.1032C>T (NM_000235.2).
Identifiers: ClinVar variation 724983 (VCV000724983.17), dbSNP rs779601441, ClinGen allele CA5593523.

ClinVar aggregate classification (germline): Likely benign. Review status: criteria provided, multiple submitters, no conflicts (2 of 4 stars). 4 submissions from 4 submitters: Likely benign (2). 2 of the submissions do not count toward it. Last evaluated 2025-09-11.

Conditions:
LIPA-related disorder. Also called: LIPA-related disorders; LIPA-related condition.
Cardiovascular phenotype. Identifiers: MedGen CN230736.
Wolman disease (WOLD). Also called: Wolman disease, CESD; Infantile-Onset LAL-D (Wolman Disease); Acid cholesteryl ester hydrolase deficiency, Wolman type; Acid lipase disease; LYSOSOMAL ACID LIPASE DEFICIENCY, ACUTE INFANTILE; LYSOSOMAL ACID LIPASE DEFICIENCY, COMPLETE. Identifiers: Orphanet 75233, MedGen C0043208, MONDO:0019148, OMIM 620151.
Lysosomal acid lipase deficiency. Also called: Acid cholesteryl ester hydrolase deficiency, type 2. Identifiers: Orphanet 275761, MedGen C5574740, MONDO:0800449, MONDO:0010204.

Allele frequency attached by ClinVar (database versions not stated): TOPMed 0.00001.
gnomAD v4.1: 20 of 1,613,998 alleles (0.0012%); highest among the groups gnomAD compares: Admixed American, 0.027%; no homozygotes.

Submissions (4):

Labcorp Genetics (formerly Invitae), Labcorp
Classification: Likely benign for Wolman disease. Last evaluated: 2025-09-11. Review status: criteria provided, single submitter. Criteria: Invitae Variant Classification Sherloc (09022015). Collection method: clinical testing. Allele origin: germline.

Ambry Genetics
Classification: Likely benign for Cardiovascular phenotype. Last evaluated: 2020-07-19. Review status: criteria provided, single submitter. Criteria: Ambry Variant Classification Scheme 2023. Collection method: clinical testing. Allele origin: germline.

PreventionGenetics, part of Exact Sciences
Classification: Likely benign for LIPA-related condition. Last evaluated: 2021-06-21. Review status: no assertion criteria provided. Collection method: clinical testing. Allele origin: germline. Not counted in ClinVar's aggregate classification.
Comment: This variant is classified as likely benign based on ACMG/AMP sequence variant interpretation guidelines (Richards et al. 2015 PMID: 25741868, with internal and published modifications).

Natera, Inc.
Classification: Uncertain significance for Lysosomal acid lipase deficiency. Last evaluated: 2020-04-11. Review status: no assertion criteria provided. Collection method: clinical testing. Allele origin: germline. Not counted in ClinVar's aggregate classification.